The following is an entry in ClinVar:

ClinVar aggregate classification (germline): Uncertain significance (1 of 4 stars; one submission).

Conditions:
Inborn genetic diseases. Identifiers: MedGen C0950123, MeSH D030342.

Submission:

Ambry Genetics
Classification: Uncertain significance for Inborn genetic diseases. Last evaluated: 2026-02-24. Review status: criteria provided, single submitter. Criteria: Ambry Variant Classification Scheme 2023. Collection method: clinical testing. Allele origin: germline.
Comment: The p.I1290L variant (also known as c.3868A>C), located in coding exon 1 of the SAMD9L gene, results from an A to C substitution at nucleotide position 3868. The isoleucine at codon 1290 is replaced by leucine, an amino acid with highly similar properties. This amino acid position is conserved. In addition, this alteration is predicted to be tolerated by in silico analysis. Based on the available evidence, the clinical significance of this variant remains unclear.

NM_152703.5(SAMD9L):c.3868A>C (p.Ile1290Leu)

Gene: SAMD9L (sterile alpha motif domain containing 9 like; minus strand). Cytogenetic location: 7q21.2.
Variant type: single nucleotide variant.
Coding change: c.3868A>C on transcript NM_152703.5 (MANE Select); coding-DNA position 3868, A replaced by C.
Protein change: p.Ile1290Leu; replaces isoleucine 1290 with leucine.
Molecular consequence: missense variant.
Genome position (GRCh38, 1-based): chr7:93,132,104, T>G on the plus strand (A>C on the coding strand, the complement: SAMD9L is on the minus strand). VCF-style: chr7-93132104-T-G. GRCh37 (hg19) VCF-style: chr7-92761417-T-G.
Other names: c.3868A>C, p.Ile1290Leu (NM_001303496.3, NM_001303497.3, NM_001303498.3 and 5 more transcripts); short protein forms I1290L.
Identifiers: ClinVar variation 4826174 (VCV004826174.1).